The following is an entry in ClinVar:

ClinVar aggregate classification (germline): Uncertain significance (1 of 4 stars; one submission).

Conditions:
Holoprosencephaly 11 (HPE11). Identifiers: Orphanet 2162, MedGen C3280215, MONDO:0013642, OMIM 614226.

Allele frequency attached by ClinVar (database versions not stated): TOPMed 0.00004.
gnomAD v4.1: 7 of 1,613,968 alleles (0.00043%); highest among the groups gnomAD compares: Admixed American, 0.0067%; no homozygotes.

Submission:

Labcorp Genetics (formerly Invitae), Labcorp
Classification: Uncertain significance for Holoprosencephaly 11. Last evaluated: 2024-02-05. Review status: criteria provided, single submitter. Criteria: Invitae Variant Classification Sherloc (09022015). Collection method: clinical testing. Allele origin: germline.
Comment: This sequence change replaces aspartic acid, which is acidic and polar, with glycine, which is neutral and non-polar, at codon 603 of the CDON protein (p.Asp603Gly). This variant is present in population databases (no rsID available, gnomAD 0.006%). This variant has not been reported in the literature in individuals affected with CDON-related conditions. Advanced modeling of protein sequence and biophysical properties (such as structural, functional, and spatial information, amino acid conservation, physicochemical variation, residue mobility, and thermodynamic stability) has been performed at Invitae for this missense variant, however the output from this modeling did not meet the statistical confidence thresholds required to predict the impact of this variant on CDON protein function. In summary, the available evidence is currently insufficient to determine the role of this variant in disease. Therefore, it has been classified as a Variant of Uncertain Significance.

NM_001378964.1(CDON):c.1808A>G (p.Asp603Gly)

Gene: CDON (cell adhesion associated, oncogene regulated; minus strand). Cytogenetic location: 11q24.2.
Variant type: single nucleotide variant.
Coding change: c.1808A>G on transcript NM_001378964.1 (MANE Select); coding-DNA position 1808, A replaced by G.
Protein change: p.Asp603Gly; replaces aspartic acid 603 with glycine.
Molecular consequence: missense variant.
Genome position (GRCh38, 1-based): chr11:126,005,802, T>C on the plus strand (A>G on the coding strand, the complement: CDON is on the minus strand). VCF-style: chr11-126005802-T-C. GRCh37 (hg19) VCF-style: chr11-125875697-T-C.
Other names: c.1808A>G, p.Asp603Gly (NM_001243597.3, NM_016952.6); short protein forms D603G.
Identifiers: ClinVar variation 2902777 (VCV002902777.3), dbSNP rs527875178, ClinGen allele CA383208492.
Genomic context (GRCh38, chr11:126,005,802, plus strand): 5'-AAACGACAAGACATTACCTTTCGATACTTCACAAAGTAAGCATTGATGGGCAGCCCACCA[T>C]CCTTGCCTGCCCTCCACACCAGGTTGTACGTGTCTGGTGTGTGGGTCTGTGGGGGGCTCA-3'
Protein context (NP_001365893.1, residues 593-613): TYNLVWRAGK[Asp603Gly]GGLPINAYFV